The following is an entry in ClinVar:

ClinVar aggregate classification (germline): Likely benign. Review status: criteria provided, multiple submitters, no conflicts (2 of 4 stars). 2 submissions from 2 submitters: Likely benign (2). Last evaluated 2024-05-15.

Conditions:
Hereditary sensory and autonomic neuropathy type 6. Also called: Neuropathy, hereditary sensory and autonomic, type VI; HSAN VI. Identifiers: Orphanet 314381, MedGen C3539003, MONDO:0013839, OMIM 614653.
Epidermolysis bullosa simplex 3, localized or generalized intermediate, with BP230 deficiency (EBS3). Also called: Epidermolysis bullosa simplex due to BP230 deficiency; Epidermolysis bullosa simplex, autosomal recessive 2. Identifiers: Orphanet 412181, MedGen C3809470, MONDO:0014180, OMIM 615425.

gnomAD v4.1: 29 of 1,613,910 alleles (0.0018%); highest among the groups gnomAD compares: East Asian, 0.0045%; no homozygotes.

Submissions (2):

Labcorp Genetics (formerly Invitae), Labcorp
Classification: Likely benign for Epidermolysis bullosa simplex 3, localized or generalized intermediate, with BP230 deficiency; Hereditary sensory and autonomic neuropathy type 6. Last evaluated: 2024-05-15. Review status: criteria provided, single submitter. Criteria: Invitae Variant Classification Sherloc (09022015). Collection method: clinical testing. Allele origin: germline.

CeGaT Center for Human Genetics Tuebingen
Classification: Likely benign. Last evaluated: 2022-11-01. Review status: criteria provided, single submitter. Criteria: CeGaT Center For Human Genetics Tuebingen Variant Classification Criteria Version 2. Collection method: clinical testing. Allele origin: germline. Affected: yes. Observed: 1 variant allele.
Comment: DST: BP4, BP7

NM_001374736.1(DST):c.15903G>A (p.Ser5301=)

Gene: DST (dystonin; minus strand). Cytogenetic location: 6p12.1.
Variant type: single nucleotide variant.
Coding change: c.15903G>A on transcript NM_001374736.1 (MANE Select); coding-DNA position 15903, G replaced by A.
Protein change: p.Ser5301=; no amino-acid change (serine 5301 retained).
Molecular consequence: synonymous variant.
Genome position (GRCh38, 1-based): chr6:56,552,889, C>T on the plus strand (G>A on the coding strand, the complement: DST is on the minus strand). VCF-style: chr6-56552889-C-T. GRCh37 (hg19) VCF-style: chr6-56417687-C-T.
Other names: c.9546G>A, p.Ser3182= (NM_001144769.5); c.9132G>A, p.Ser3044= (NM_001144770.2); c.15903G>A, p.Ser5301= (NM_001374722.1); c.15270G>A, p.Ser5090= (NM_001374729.1); c.9012G>A, p.Ser3004= (NM_001374730.1, NM_001386100.1, NM_183380.4); c.15930G>A, p.Ser5310= (NM_001374734.1); c.8034G>A, p.Ser2678= (NM_015548.5).
Identifiers: ClinVar variation 1115567 (VCV001115567.33), dbSNP rs371189011, ClinGen allele CA3867759.